The following is an entry in ClinVar:

NM_001271.4(CHD2):c.5050C>G (p.His1684Asp)

Gene: CHD2 (chromodomain helicase DNA binding protein 2; plus strand). Cytogenetic location: 15q26.1.
Variant type: single nucleotide variant.
Coding change: c.5050C>G on transcript NM_001271.4 (MANE Select); coding-DNA position 5050, C replaced by G.
Protein change: p.His1684Asp; replaces histidine 1684 with aspartic acid.
Molecular consequence: missense variant.
Genome position (GRCh38, 1-based): chr15:93,020,155, C>G. VCF-style: chr15-93020155-C-G. GRCh37 (hg19) VCF-style: chr15-93563385-C-G.
Other names: short protein forms H1684D.
Identifiers: ClinVar variation 2752877 (VCV002752877.3), dbSNP rs746849506, ClinGen allele CA393907791.

ClinVar aggregate classification (germline): Uncertain significance (1 of 4 stars; one submission).

Conditions:
Developmental and epileptic encephalopathy 94 (DEE94). Also called: CHD2-Related Neurodevelopmental Disorders; Epileptic encephalopathy, childhood-onset. Identifiers: Orphanet 1942, Orphanet 2382, MedGen C3809278, MONDO:0014150, OMIM 615369.

Submission:

Labcorp Genetics (formerly Invitae), Labcorp
Classification: Uncertain significance for Developmental and epileptic encephalopathy 94. Last evaluated: 2024-01-09. Review status: criteria provided, single submitter. Criteria: Invitae Variant Classification Sherloc (09022015). Collection method: clinical testing. Allele origin: germline.
Comment: This sequence change replaces histidine, which is basic and polar, with aspartic acid, which is acidic and polar, at codon 1684 of the CHD2 protein (p.His1684Asp). This variant is not present in population databases (gnomAD no frequency). This variant has not been reported in the literature in individuals affected with CHD2-related conditions. Advanced modeling of protein sequence and biophysical properties (such as structural, functional, and spatial information, amino acid conservation, physicochemical variation, residue mobility, and thermodynamic stability) performed at Invitae indicates that this missense variant is not expected to disrupt CHD2 protein function with a negative predictive value of 95%. In summary, the available evidence is currently insufficient to determine the role of this variant in disease. Therefore, it has been classified as a Variant of Uncertain Significance.